The following is an entry in ClinVar:

NM_001035.3(RYR2):c.725A>T (p.Asp242Val)

Gene: RYR2 (ryanodine receptor 2; plus strand). Cytogenetic location: 1q43.
Variant type: single nucleotide variant.
Coding change: c.725A>T on transcript NM_001035.3 (MANE Select); coding-DNA position 725, A replaced by T.
Protein change: p.Asp242Val; replaces aspartic acid 242 with valine.
Molecular consequence: missense variant.
Genome position (GRCh38, 1-based): chr1:237,388,135, A>T. VCF-style: chr1-237388135-A-T. GRCh37 (hg19) VCF-style: chr1-237551435-A-T.
Other names: short protein forms D242V.
Identifiers: ClinVar variation 1757951 (VCV001757951.7), dbSNP rs1318491246, ClinGen allele CA345378260.
Genomic context (GRCh38, chr1:237,388,135, plus strand): 5'-TTATCCTTACAGGGTATCTCATTGGTGGTGATGTCCTCAGGTTGCTGCATGGACACATGG[A>T]CGAGTGTCTCACTGTCCCTTCAGGAGAACATGGTGAAGAGCAGCGGAGGTTAGTACCTGA-3'
Protein context (NP_001026.2, residues 232-252): DVLRLLHGHM[Asp242Val]ECLTVPSGEH

ClinVar aggregate classification (germline): Uncertain significance. Review status: criteria provided, multiple submitters, no conflicts (2 of 4 stars). 2 submissions from 2 submitters: Uncertain significance (2). Last evaluated 2024-08-06.

Conditions:
Cardiovascular phenotype. Identifiers: MedGen CN230736.
Catecholaminergic polymorphic ventricular tachycardia 1. Also called: VENTRICULAR TACHYCARDIA, CATECHOLAMINERGIC POLYMORPHIC, 1, WITH OR WITHOUT ATRIAL DYSFUNCTION AND/OR DILATED CARDIOMYOPATHY; VENTRICULAR TACHYCARDIA, STRESS-INDUCED POLYMORPHIC 1; RYR2-Related Catecholaminergic Polymorphic Ventricular Tachycardia. Identifiers: Orphanet 3286, MedGen C1631597, MONDO:0011484, OMIM 604772.

Submissions (2):

Labcorp Genetics (formerly Invitae), Labcorp
Classification: Uncertain significance for Catecholaminergic polymorphic ventricular tachycardia 1. Last evaluated: 2024-08-06. Review status: criteria provided, single submitter. Criteria: Invitae Variant Classification Sherloc (09022015). Collection method: clinical testing. Allele origin: germline.
Comment: This sequence change replaces aspartic acid, which is acidic and polar, with valine, which is neutral and non-polar, at codon 242 of the RYR2 protein (p.Asp242Val). This variant is not present in population databases (gnomAD no frequency). This missense change has been observed in individual(s) with RYR2-related conditions (PMID: 19398665, 32152366; Invitae). ClinVar contains an entry for this variant (Variation ID: 1757951). Advanced modeling of protein sequence and biophysical properties (such as structural, functional, and spatial information, amino acid conservation, physicochemical variation, residue mobility, and thermodynamic stability) performed at Invitae indicates that this missense variant is expected to disrupt RYR2 protein function with a positive predictive value of 95%. In summary, the available evidence is currently insufficient to determine the role of this variant in disease. Therefore, it has been classified as a Variant of Uncertain Significance.

Ambry Genetics
Classification: Uncertain significance for Cardiovascular phenotype. Last evaluated: 2022-08-23. Review status: criteria provided, single submitter. Criteria: Ambry Variant Classification Scheme 2023. Collection method: clinical testing. Allele origin: germline.
Comment: The p.D242V variant (also known as c.725A>T), located in coding exon 10 of the RYR2 gene, results from an A to T substitution at nucleotide position 725. The aspartic acid at codon 242 is replaced by valine, an amino acid with highly dissimilar properties. This alteration has been reported in a subject with catecholaminergic polymorphic ventricular tachycardia (CPVT) and one family member (Hayashi M et al. Circulation, 2009 May;119:2426-34; Hayashi M et al. Europace, 2012 Sep;14:1344-51). This amino acid position is highly conserved in available vertebrate species. In addition, this alteration is predicted to be deleterious by in silico analysis. Since supporting evidence is limited at this time, the clinical significance of this alteration remains unclear.

Literature cited by the submitters: PubMed 19398665 (cited by Labcorp Genetics (formerly Invitae), Labcorp and Ambry Genetics); PubMed 32152366 (cited by Labcorp Genetics (formerly Invitae), Labcorp); PubMed 22383456 (cited by Ambry Genetics).